The following is an entry in ClinVar:

ClinVar aggregate classification (germline): Uncertain significance (1 of 4 stars; one submission).

Conditions:
Aicardi-Goutieres syndrome 7 (AGS7). Identifiers: Orphanet 51, MedGen C3888244, MONDO:0014367, OMIM 615846.
Singleton-Merten syndrome 1 (SGMRT1). Also called: Widened medullary cavities of bone, aortic calcification, abnormal dentition, and muscular weakness; Syndrome of widened medullary cavities of the metacarpals and phalanges, aortic calcification and abnormal dentition. Identifiers: Orphanet 85191, MedGen C4225427, MONDO:0024535, OMIM 182250.

gnomAD v4.1: 1 of 1,600,968 alleles (0.000062%); highest among the groups gnomAD compares: South Asian, 0.0011%; no homozygotes.

Submission:

Labcorp Genetics (formerly Invitae), Labcorp
Classification: Uncertain significance for Aicardi-Goutieres syndrome 7; Singleton-Merten syndrome 1. Last evaluated: 2020-09-01. Review status: criteria provided, single submitter. Criteria: Invitae Variant Classification Sherloc (09022015). Collection method: clinical testing. Allele origin: germline.
Comment: In summary, the available evidence is currently insufficient to determine the role of this variant in disease. Therefore, it has been classified as a Variant of Uncertain Significance. This variant is not present in population databases (ExAC no frequency). Algorithms developed to predict the effect of missense changes on protein structure and function (SIFT, PolyPhen-2, Align-GVGD) all suggest that this variant is likely to be tolerated, but these predictions have not been confirmed by published functional studies and their clinical significance is uncertain. This variant has not been reported in the literature in individuals with IFIH1-related conditions. This sequence change replaces phenylalanine with isoleucine at codon 638 of the IFIH1 protein (p.Phe638Ile). The phenylalanine residue is weakly conserved and there is a small physicochemical difference between phenylalanine and isoleucine.

NM_022168.4(IFIH1):c.1912T>A (p.Phe638Ile)

Gene: IFIH1 (interferon induced with helicase C domain 1; minus strand). Cytogenetic location: 2q24.2.
Variant type: single nucleotide variant.
Coding change: c.1912T>A on transcript NM_022168.4 (MANE Select); coding-DNA position 1912, T replaced by A.
Protein change: p.Phe638Ile; replaces phenylalanine 638 with isoleucine.
Molecular consequence: missense variant.
Genome position (GRCh38, 1-based): chr2:162,277,547, A>T on the plus strand (T>A on the coding strand, the complement: IFIH1 is on the minus strand). VCF-style: chr2-162277547-A-T. GRCh37 (hg19) VCF-style: chr2-163134057-A-T.
Other names: short protein forms F638I.
Identifiers: ClinVar variation 1047642 (VCV001047642.8), dbSNP rs1682719356, ClinGen allele CA348999136.